The following is an entry in ClinVar:

ClinVar aggregate classification (germline): Uncertain significance (1 of 4 stars; one submission).

Submission:

Labcorp Genetics (formerly Invitae), Labcorp
Classification: Uncertain significance. Last evaluated: 2024-03-20. Review status: criteria provided, single submitter. Criteria: Invitae Variant Classification Sherloc (09022015). Collection method: clinical testing. Allele origin: germline.
Comment: This sequence change replaces valine, which is neutral and non-polar, with leucine, which is neutral and non-polar, at codon 1332 of the ASXL1 protein (p.Val1332Leu). This variant is not present in population databases (gnomAD no frequency). This variant has not been reported in the literature in individuals affected with ASXL1-related conditions. An algorithm developed to predict the effect of missense changes on protein structure and function (PolyPhen-2) suggests that this variant is likely to be tolerated. In summary, the available evidence is currently insufficient to determine the role of this variant in disease. Therefore, it has been classified as a Variant of Uncertain Significance.

NM_015338.6(ASXL1):c.3994G>C (p.Val1332Leu)

Gene: ASXL1 (ASXL transcriptional regulator 1; plus strand). Cytogenetic location: 20q11.21.
Variant type: single nucleotide variant.
Coding change: c.3994G>C on transcript NM_015338.6 (MANE Select); coding-DNA position 3994, G replaced by C.
Protein change: p.Val1332Leu; replaces valine 1332 with leucine.
Molecular consequence: missense variant.
Genome position (GRCh38, 1-based): chr20:32,436,706, G>C. VCF-style: chr20-32436706-G-C. GRCh37 (hg19) VCF-style: chr20-31024509-G-C.
Other names: c.3811G>C, p.Val1271Leu (NM_001363734.1); short protein forms V1271L, V1332L.
Identifiers: ClinVar variation 3690057 (VCV003690057.2).